The following is an entry in ClinVar:

ClinVar aggregate classification (germline): Uncertain significance (1 of 4 stars; one submission).

Conditions:
Hereditary cancer-predisposing syndrome. Also called: Neoplastic Syndromes, Hereditary; Tumor predisposition; Hereditary neoplastic syndrome; Hereditary Cancer Syndrome. Identifiers: Orphanet 140162, MedGen C0027672, MeSH D009386, MONDO:0015356.

Submission:

Ambry Genetics
Classification: Uncertain significance for Hereditary cancer-predisposing syndrome. Last evaluated: 2026-06-24. Review status: criteria provided, single submitter. Criteria: Ambry Variant Classification Scheme 2023. Collection method: clinical testing. Allele origin: germline.
Comment: The p.G68C variant (also known as c.202G>T), located in coding exon 2 of the FANCC gene, results from a G to T substitution at nucleotide position 202. The glycine at codon 68 is replaced by cysteine, an amino acid with highly dissimilar properties. This amino acid position is conserved. In addition, this alteration is predicted to be tolerated by in silico analysis. Based on the available evidence, the clinical significance of this variant remains unclear.

NM_000136.3(FANCC):c.202G>T (p.Gly68Cys)

Gene: FANCC (FA complementation group C; minus strand). Cytogenetic location: 9q22.32.
Variant type: single nucleotide variant.
Coding change: c.202G>T on transcript NM_000136.3 (MANE Select); coding-DNA position 202, G replaced by T.
Protein change: p.Gly68Cys; replaces glycine 68 with cysteine.
Molecular consequence: missense variant.
Genome position (GRCh38, 1-based): chr9:95,247,480, C>A on the plus strand (G>T on the coding strand, the complement: FANCC is on the minus strand). VCF-style: chr9-95247480-C-A. GRCh37 (hg19) VCF-style: chr9-98009762-C-A.
Other names: c.202G>T, p.Gly68Cys (NM_001243743.2, NM_001243744.2); short protein forms G68C.
Identifiers: ClinVar variation 5036466 (VCV005036466.1).
Genomic context (GRCh38, chr9:95,247,480, plus strand): 5'-TTTGATTCTTACCATATGCTAAAATAAAAGGATTCCAACAAGCTTTTGCCAACAGTTGAC[C>A]AATTGTGGGGAATCTTTCAATGACTGTATTAGAATCCTGTGAAAGAAAAATAAATTTTGG-3'
Protein context (NP_000127.2, residues 58-78): NTVIERFPTI[Gly68Cys]QLLAKACWNP